The following is an entry in ClinVar:

ClinVar aggregate classification (germline): Uncertain significance. Review status: criteria provided, multiple submitters, no conflicts (2 of 4 stars). 2 submissions from 2 submitters: Uncertain significance (2). Last evaluated 2024-08-23.

Conditions:
Inborn genetic diseases. Identifiers: MedGen C0950123, MeSH D030342.
Neurodevelopmental disorder with dysmorphic facies and distal limb anomalies. Identifiers: Orphanet 686482, MedGen C4540327, MONDO:0060596, OMIM 617755.

Allele frequency attached by ClinVar (database versions not stated): gnomAD exomes below 0.00001.
gnomAD v4.1: 2 of 1,599,958 alleles (0.00013%); highest among the groups gnomAD compares: African/African-American, 0.0013%; no homozygotes.

Submissions (2):

Laboratorio de Genetica e Diagnostico Molecular, Hospital Israelita Albert Einstein
Classification: Uncertain significance for Neurodevelopmental disorder with dysmorphic facies and distal limb anomalies. Last evaluated: 2024-08-23. Review status: criteria provided, single submitter. Criteria: ACMG Guidelines, 2015. Collection method: clinical testing. Allele origin: germline. Affected: yes.
Comment: ACMG classification criteria: PM2 supporting, PP2 supporting, BP4 supporting

Ambry Genetics
Classification: Uncertain significance for Inborn genetic diseases. Last evaluated: 2024-01-12. Review status: criteria provided, single submitter. Criteria: Ambry Variant Classification Scheme 2023. Collection method: clinical testing. Allele origin: germline.

NM_182641.4(BPTF):c.1441G>C (p.Glu481Gln)

Gene: BPTF (bromodomain PHD finger transcription factor; plus strand). Cytogenetic location: 17q24.2.
Variant type: single nucleotide variant.
Coding change: c.1441G>C on transcript NM_182641.4 (MANE Select); coding-DNA position 1441, G replaced by C.
Protein change: p.Glu481Gln; replaces glutamic acid 481 with glutamine.
Molecular consequence: missense variant.
Genome position (GRCh38, 1-based): chr17:67,866,468, G>C. VCF-style: chr17-67866468-G-C. GRCh37 (hg19) VCF-style: chr17-65862584-G-C.
Other names: c.1441G>C, p.Glu481Gln (NM_004459.7); short protein forms E481Q.
Identifiers: ClinVar variation 3134885 (VCV003134885.2), dbSNP rs990676304, ClinGen allele CA293228844.
Genomic context (GRCh38, chr17:67,866,468, plus strand): 5'-TCAGATAAGTGGCATTATGTCTAACATATAAAGTATTTCCCCCCATTTTTAAACAGAGAA[G>C]AAGATACAGAAAATGAAAATGAAAAGAAAATTTGGTATTACAGCACAAAGGTCCAACTTG-3'
Protein context (NP_872579.2, residues 471-491): WFLNRRLIIE[Glu481Gln]DTENENEKKI